The following is an entry in ClinVar:

NM_025103.4(IFT74):c.863G>A (p.Arg288Gln)

Gene: IFT74 (intraflagellar transport 74; plus strand). Cytogenetic location: 9p21.2.
Variant type: single nucleotide variant.
Coding change: c.863G>A on transcript NM_025103.4 (MANE Select); coding-DNA position 863, G replaced by A.
Protein change: p.Arg288Gln; replaces arginine 288 with glutamine.
Molecular consequence: missense variant.
Genome position (GRCh38, 1-based): chr9:27,016,980, G>A. VCF-style: chr9-27016980-G-A. GRCh37 (hg19) VCF-style: chr9-27016978-G-A.
Other names: c.863G>A (NM_025103.2); c.863G>A, p.Arg288Gln (NM_001099222.3, NM_001099223.3, NM_001099224.3 and 1 more transcripts); short protein forms R288Q.
Identifiers: ClinVar variation 1380253 (VCV001380253.8), dbSNP rs761276999, ClinGen allele CA5015422.

ClinVar aggregate classification (germline): Uncertain significance. Review status: criteria provided, multiple submitters, no conflicts (2 of 4 stars). 2 submissions from 2 submitters: Uncertain significance (2). Last evaluated 2026-02-16.

Conditions:
IFT74-related disorder. Also called: IFT74-related condition; IFT74-Related Disorders.

Allele frequency attached by ClinVar (database versions not stated): gnomAD 0.00001 and 0.00002; gnomAD exomes 0.00003; ExAC 0.00004; TOPMed 0.00005.
gnomAD v4.1: 32 of 1,611,162 alleles (0.002%); highest among the groups gnomAD compares: Admixed American, 0.0034%; no homozygotes.

Submissions (2):

PreventionGenetics, part of Exact Sciences
Classification: Uncertain significance for IFT74-related condition. Last evaluated: 2026-02-16. Review status: criteria provided, single submitter. Criteria: ACMG Guidelines, 2015. Collection method: clinical testing. Allele origin: germline.
Comment: The IFT74 c.863G>A variant is predicted to result in the amino acid substitution p.Arg288Gln. To our knowledge, this variant has not been reported in the literature. This variant is reported in 0.0057% of alleles in individuals of Latino descent in gnomAD. At this time, the clinical significance of this variant is uncertain due to the absence of conclusive functional and genetic evidence.

Labcorp Genetics (formerly Invitae), Labcorp
Classification: Uncertain significance. Last evaluated: 2026-01-19. Review status: criteria provided, single submitter. Criteria: Invitae Variant Classification Sherloc (09022015). Collection method: clinical testing. Allele origin: germline.
Comment: This sequence change replaces arginine, which is basic and polar, with glutamine, which is neutral and polar, at codon 288 of the IFT74 protein (p.Arg288Gln). This variant is present in population databases (rs761276999, gnomAD 0.006%). This variant has not been reported in the literature in individuals affected with IFT74-related conditions. ClinVar contains an entry for this variant (Variation ID: 1380253). An algorithm developed to predict the effect of missense changes on protein structure and function (PolyPhen-2) suggests that this variant is likely to be disruptive. In summary, the available evidence is currently insufficient to determine the role of this variant in disease. Therefore, it has been classified as a Variant of Uncertain Significance.